The following is an entry in ClinVar:

NM_018191.4(RCBTB1):c.1091T>C (p.Phe364Ser)

Gene: RCBTB1 (RCC1 and BTB domain containing protein 1; minus strand). Cytogenetic location: 13q14.2.
Variant type: single nucleotide variant.
Coding change: c.1091T>C on transcript NM_018191.4 (MANE Select); coding-DNA position 1091, T replaced by C.
Protein change: p.Phe364Ser; replaces phenylalanine 364 with serine.
Molecular consequence: missense variant. On other transcripts: non-coding transcript variant (2).
Genome position (GRCh38, 1-based): chr13:49,544,818, A>G on the plus strand (T>C on the coding strand, the complement: RCBTB1 is on the minus strand). VCF-style: chr13-49544818-A-G. GRCh37 (hg19) VCF-style: chr13-50118954-A-G.
Other names: c.1091T>C, p.Phe364Ser (NM_001352500.2, NM_001352501.2, NM_001352502.2 and 2 more transcripts); c.512T>C, p.Phe171Ser (NM_001352506.2); short protein forms F171S, F364S.
Identifiers: ClinVar variation 1008066 (VCV001008066.8), dbSNP rs1960670904, ClinGen allele CA388188540.

ClinVar aggregate classification (germline): Uncertain significance (1 of 4 stars; one submission).

Allele frequency attached by ClinVar (database versions not stated): gnomAD exomes below 0.00001.
gnomAD v4.1: 2 of 1,612,054 alleles (0.00012%); highest among the groups gnomAD compares: South Asian, 0.0011%; no homozygotes.

Submission:

Labcorp Genetics (formerly Invitae), Labcorp
Classification: Uncertain significance. Last evaluated: 2022-08-09. Review status: criteria provided, single submitter. Criteria: Invitae Variant Classification Sherloc (09022015). Collection method: clinical testing. Allele origin: germline.
Comment: In summary, the available evidence is currently insufficient to determine the role of this variant in disease. Therefore, it has been classified as a Variant of Uncertain Significance. Algorithms developed to predict the effect of missense changes on protein structure and function are either unavailable or do not agree on the potential impact of this missense change (SIFT: "Deleterious"; PolyPhen-2: "Probably Damaging"; Align-GVGD: "Class C0"). ClinVar contains an entry for this variant (Variation ID: 1008066). This variant has not been reported in the literature in individuals affected with RCBTB1-related conditions. This variant is not present in population databases (gnomAD no frequency). This sequence change replaces phenylalanine, which is neutral and non-polar, with serine, which is neutral and polar, at codon 364 of the RCBTB1 protein (p.Phe364Ser).